The following is an entry in ClinVar:

ClinVar aggregate classification (germline): Uncertain significance (1 of 4 stars; one submission).

Submission:

Labcorp Genetics (formerly Invitae), Labcorp
Classification: Uncertain significance. Last evaluated: 2024-09-23. Review status: criteria provided, single submitter. Criteria: Invitae Variant Classification Sherloc (09022015). Collection method: clinical testing. Allele origin: germline.
Comment: This sequence change replaces lysine, which is basic and polar, with glutamine, which is neutral and polar, at codon 825 of the SAMD9L protein (p.Lys825Gln). This variant is not present in population databases (gnomAD no frequency). This variant has not been reported in the literature in individuals affected with SAMD9L-related conditions. Invitae Evidence Modeling of protein sequence and biophysical properties (such as structural, functional, and spatial information, amino acid conservation, physicochemical variation, residue mobility, and thermodynamic stability) indicates that this missense variant is not expected to disrupt SAMD9L protein function with a negative predictive value of 80%. In summary, the available evidence is currently insufficient to determine the role of this variant in disease. Therefore, it has been classified as a Variant of Uncertain Significance.

NM_152703.5(SAMD9L):c.2473A>C (p.Lys825Gln)

Gene: SAMD9L (sterile alpha motif domain containing 9 like; minus strand). Cytogenetic location: 7q21.2.
Variant type: single nucleotide variant.
Coding change: c.2473A>C on transcript NM_152703.5 (MANE Select); coding-DNA position 2473, A replaced by C.
Protein change: p.Lys825Gln; replaces lysine 825 with glutamine.
Molecular consequence: missense variant.
Genome position (GRCh38, 1-based): chr7:93,133,499, T>G on the plus strand (A>C on the coding strand, the complement: SAMD9L is on the minus strand). VCF-style: chr7-93133499-T-G. GRCh37 (hg19) VCF-style: chr7-92762812-T-G.
Other names: c.2473A>C, p.Lys825Gln (NM_001303496.3, NM_001303497.3, NM_001303498.3 and 5 more transcripts); short protein forms K825Q.
Identifiers: ClinVar variation 3666347 (VCV003666347.2).